The following is an entry in ClinVar:

NM_002485.5(NBN):c.1396dup (p.Arg466fs)

Gene: NBN (nibrin; minus strand). Cytogenetic location: 8q21.3.
Variant type: Duplication.
Coding change: c.1396dup on transcript NM_002485.5 (MANE Select); coding-DNA position 1396, one base duplicated (A; older notation c.1396dupA).
Protein change: p.Arg466fs; shifts the reading frame from arginine 466.
Molecular consequence: frameshift variant.
Genome position (GRCh38, 1-based): chr8:89,955,284, T duplicated on the plus strand (A on the coding strand, the reverse complement: NBN is on the minus strand); the first of 7 consecutive T bases (chr8:89,955,284-89,955,290); duplicating any one gives the same sequence. VCF-style (leftmost placement, unchanged base first): chr8-89955283-C-CT. GRCh37 (hg19) VCF-style: chr8-90967511-C-CT.
Other names: c.1396dupA (NM_002485.4); c.1150dup, p.Arg384fs (NM_001024688.3); short protein forms R384fs, R466fs.
Identifiers: ClinVar variation 492093 (VCV000492093.39), dbSNP rs1349928568, ClinGen allele CA658683531.

ClinVar aggregate classification (germline): Pathogenic/Likely pathogenic. Review status: criteria provided, multiple submitters, no conflicts (2 of 4 stars). 8 submissions from 8 submitters: Pathogenic (4); Likely pathogenic (3). 1 of the submissions does not count toward it. Last evaluated 2024-03-28.

Conditions:
Gastric cancer. Also called: Stomach cancer; Malignant tumor of stomach. Identifiers: MedGen C0024623, MeSH D013274, MONDO:0001056, OMIM 613659, HP:0012126.
Acute lymphoid leukemia (ALL). Also called: Lymphoblastic leukemia; Acute lymphoblastic leukemia; Acute lymphocytic leukemia; Leukemia, acute lymphoblastic, somatic. Identifiers: Orphanet 513, MedGen C0023449, MONDO:0004967, OMIM 613065, HP:0006721.
Microcephaly, normal intelligence and immunodeficiency (NBS). Also called: Ataxia telangiectasia variant V1; Nijmegen breakage syndrome; Microcephaly with normal intelligence immunodeficiency and lymphoreticular malignancies; Nonsyndromal microcephaly autosomal recessive with normal intelligence; Seemanova syndrome 2; Immunodeficiency, microcephaly with normal intelligence. Identifiers: Orphanet 647, MedGen C0398791, MONDO:0009623, OMIM 251260.
Aplastic anemia. Identifiers: Orphanet 182040, Orphanet 88, MedGen C0002874, MONDO:0015909, OMIM 609135, HP:0001915.
Hereditary cancer-predisposing syndrome. Also called: Tumor predisposition; Hereditary neoplastic syndrome; Hereditary Cancer Syndrome; Neoplastic Syndromes, Hereditary. Identifiers: Orphanet 140162, MedGen C0027672, MeSH D009386, MONDO:0015356.

Submissions (8):

Fulgent Genetics
Classification: Likely pathogenic for Microcephaly, normal intelligence and immunodeficiency; Aplastic anemia; Acute lymphoid leukemia. Last evaluated: 2024-03-28. Review status: criteria provided, single submitter. Criteria: ACMG Guidelines, 2015. Collection method: clinical testing. Allele origin: germline.

Labcorp Genetics (formerly Invitae), Labcorp
Classification: Pathogenic for Microcephaly, normal intelligence and immunodeficiency. Last evaluated: 2024-01-24. Review status: criteria provided, single submitter. Criteria: Invitae Variant Classification Sherloc (09022015). Collection method: clinical testing. Allele origin: germline.
Comment: This sequence change creates a premature translational stop signal (p.Arg466Lysfs*5) in the NBN gene. It is expected to result in an absent or disrupted protein product. Loss-of-function variants in NBN are known to be pathogenic (PMID: 9590180, 16415040). This variant is not present in population databases (gnomAD no frequency). This variant has not been reported in the literature in individuals affected with NBN-related conditions. ClinVar contains an entry for this variant (Variation ID: 492093). For these reasons, this variant has been classified as Pathogenic.

Baylor Genetics
Classification: Likely pathogenic for Aplastic anemia. Last evaluated: 2023-09-30. Review status: criteria provided, single submitter. Criteria: ACMG Guidelines, 2015. Collection method: clinical testing. Allele origin: unknown.

Ambry Genetics
Classification: Pathogenic for Hereditary cancer-predisposing syndrome. Last evaluated: 2022-08-02. Review status: criteria provided, single submitter. Criteria: Ambry Variant Classification Scheme 2023. Collection method: clinical testing. Allele origin: germline.
Comment: The c.1396dupA pathogenic mutation, located in coding exon 10 of the NBN gene, results from a duplication of A at nucleotide position 1396, causing a translational frameshift with a predicted alternate stop codon (p.R466Kfs*5). This alteration is expected to result in loss of function by premature protein truncation or nonsense-mediated mRNA decay. As such, this alteration is interpreted as a disease-causing mutation.

Dasa
Classification: Pathogenic for Microcephaly, normal intelligence and immunodeficiency. Last evaluated: 2022-03-05. Review status: criteria provided, single submitter. Criteria: ACMG Guidelines, 2015. Collection method: clinical testing. Allele origin: germline. Affected: yes. Observed: 1 variant allele.
Comment: The c.1396dup;p.(Arg466fs*5) is a null frameshift variant (NMD) in the NBN gene and predicts alteration of the nonsense-mediate decay - NMD is present in a relevant exon to the transcript - PVS1. This sequence change has been observed in affected individual(s) and ClinVar contains an entry for this variant (ClinVar ID: 492093)PS4_moderate. This variant is not present in population databases (rs1349928568- gnomAD; ABraOM no frequency.) - PM2. In summary, the currently available evidence indicates that the variant is pathogenic.

Genome-Nilou Lab
Classification: Pathogenic for Microcephaly, normal intelligence and immunodeficiency. Last evaluated: 2021-11-07. Review status: criteria provided, single submitter. Criteria: ACMG Guidelines, 2015. Collection method: clinical testing. Allele origin: germline. Affected: no.

Sema4
Classification: Likely pathogenic for Hereditary cancer-predisposing syndrome. Last evaluated: 2021-10-27. Review status: criteria provided, single submitter. Criteria: Sema4 Curation Guidelines. Collection method: curation. Allele origin: germline.
Comment: The NBN c.1396dupA (p.R466KfsX5) variant has been reported in at least one individual with prostate cancer (PMID: 32338768). Additionally, a large case-control study observed the variant in 1/60466 breast cancer cases and in 0/53461 controls (PMID: 33471991). This variant causes a frameshift at amino acid 466 that results in premature termination 5 amino acids downstream. At this location, this variant is predicted to cause loss of normal protein function either through protein truncation or nonsense-mediated mRNA decay. This variant is not reported in the population database Genome Aggregation Database (PMID: 32461654). This variant has been reported in ClinVar (Variation ID: 492093). Based on the current evidence available, this variant is interpreted as likely pathogenic.

Laboratory for Genotyping Development, RIKEN
Classification: Pathogenic for Gastric cancer. Last evaluated: 2021-07-01. Review status: no assertion criteria provided. Collection method: research. Allele origin: germline. Not counted in ClinVar's aggregate classification.

Literature cited by the submitters: PubMed 9590180 (cited by Labcorp Genetics (formerly Invitae), Labcorp); PubMed 16415040 (cited by Labcorp Genetics (formerly Invitae), Labcorp); PubMed 32338768 (cited by Sema4); PubMed 33471991 (cited by Sema4); PubMed 36988593 (cited by Laboratory for Genotyping Development, RIKEN).